The following is an entry in ClinVar:

NM_006218.4(PIK3CA):c.631A>C (p.Ile211Leu)

Gene: PIK3CA (phosphatidylinositol-4,5-bisphosphate 3-kinase catalytic subunit alpha; plus strand). Cytogenetic location: 3q26.32.
Variant type: single nucleotide variant.
Coding change: c.631A>C on transcript NM_006218.4 (MANE Select); coding-DNA position 631, A replaced by C.
Protein change: p.Ile211Leu; replaces isoleucine 211 with leucine.
Molecular consequence: missense variant.
Genome position (GRCh38, 1-based): chr3:179,201,358, A>C. VCF-style: chr3-179201358-A-C. GRCh37 (hg19) VCF-style: chr3-178919146-A-C.
Other names: short protein forms I211L.
Identifiers: ClinVar variation 5026704 (VCV005026704.1).

ClinVar aggregate classification (germline): Uncertain significance (1 of 4 stars; one submission).

Conditions:
Inborn genetic diseases. Identifiers: MedGen C0950123, MeSH D030342.

Submission:

Ambry Genetics
Classification: Uncertain significance for Inborn genetic diseases. Last evaluated: 2026-08-18. Review status: criteria provided, single submitter. Criteria: Ambry Variant Classification Scheme 2023. Collection method: clinical testing. Allele origin: germline.
Comment: The p.I211L variant (also known as c.631A>C), located in coding exon 3 of the PIK3CA gene, results from an A to C substitution at nucleotide position 631. The isoleucine at codon 211 is replaced by leucine, an amino acid with highly similar properties. This amino acid position is conserved. In addition, the in silico prediction for this alteration is inconclusive. Based on the available evidence, the clinical significance of this variant remains unclear.